The following is an entry in ClinVar:

ClinVar aggregate classification (germline): Uncertain significance. Review status: criteria provided, multiple submitters, no conflicts (2 of 4 stars). 2 submissions from 2 submitters: Uncertain significance (2). Last evaluated 2023-03-20.

Conditions:
Hereditary cancer-predisposing syndrome. Also called: Neoplastic Syndromes, Hereditary; Hereditary neoplastic syndrome; Tumor predisposition; Hereditary Cancer Syndrome. Identifiers: Orphanet 140162, MedGen C0027672, MeSH D009386, MONDO:0015356.
Ataxia-telangiectasia syndrome (AT). Also called: Ataxia-telangiectasia, complementation group D; AT, COMPLEMENTATION GROUP C; Ataxia telangiectasia (A-T); Cerebello-oculocutaneous telangiectasia; Immunodeficiency with ataxia telangiectasia; ATAXIA-TELANGIECTASIA, COMPLEMENTATION GROUP A. Identifiers: Orphanet 100, MedGen C0004135, MONDO:0008840, OMIM 208900.

Submissions (2):

Ambry Genetics
Classification: Uncertain significance for Hereditary cancer-predisposing syndrome. Last evaluated: 2023-03-20. Review status: criteria provided, single submitter. Criteria: Ambry Variant Classification Scheme 2023. Collection method: clinical testing. Allele origin: germline.
Comment: The p.E38K variant (also known as c.112G>A), located in coding exon 2 of the ATM gene, results from a G to A substitution at nucleotide position 112. The glutamic acid at codon 38 is replaced by lysine, an amino acid with similar properties. This amino acid position is well conserved in available vertebrate species. In addition, this alteration is predicted to be tolerated by in silico analysis. Since supporting evidence is limited at this time, the clinical significance of this alteration remains unclear.

Labcorp Genetics (formerly Invitae), Labcorp
Classification: Uncertain significance for Ataxia-telangiectasia syndrome. Last evaluated: 2021-11-12. Review status: criteria provided, single submitter. Criteria: Invitae Variant Classification Sherloc (09022015). Collection method: clinical testing. Allele origin: germline.
Comment: In summary, the available evidence is currently insufficient to determine the role of this variant in disease. Therefore, it has been classified as a Variant of Uncertain Significance. Advanced modeling of protein sequence and biophysical properties (such as structural, functional, and spatial information, amino acid conservation, physicochemical variation, residue mobility, and thermodynamic stability) performed at Invitae indicates that this missense variant is not expected to disrupt ATM protein function. ClinVar contains an entry for this variant (Variation ID: 662520). This variant has not been reported in the literature in individuals affected with ATM-related conditions. This variant is not present in population databases (gnomAD no frequency). This sequence change replaces glutamic acid, which is acidic and polar, with lysine, which is basic and polar, at codon 38 of the ATM protein (p.Glu38Lys).

NM_000051.4(ATM):c.112G>A (p.Glu38Lys)

Gene: ATM (ATM serine/threonine kinase; plus strand). Cytogenetic location: 11q22.3.
Variant type: single nucleotide variant.
Coding change: c.112G>A on transcript NM_000051.4 (MANE Select); coding-DNA position 112, G replaced by A.
Protein change: p.Glu38Lys; replaces glutamic acid 38 with lysine.
Molecular consequence: missense variant.
Genome position (GRCh38, 1-based): chr11:108,227,815, G>A. VCF-style: chr11-108227815-G-A. GRCh37 (hg19) VCF-style: chr11-108098542-G-A.
Other names: c.112G>A, p.Glu38Lys (NM_001351835.2, NM_001351836.2, NM_001351834.2); short protein forms E38K.
Identifiers: ClinVar variation 662520 (VCV000662520.8), dbSNP rs1591446961, ClinGen allele CA382519798.